The following is an entry in ClinVar:

ClinVar aggregate classification (germline): Uncertain significance (1 of 4 stars; one submission).

Submission:

GeneDx
Classification: Uncertain significance. Last evaluated: 2024-05-24. Review status: criteria provided, single submitter. Criteria: GeneDx Variant Classification Process June 2021. Collection method: clinical testing. Allele origin: germline. Affected: yes.
Comment: Not observed at significant frequency in large population cohorts (gnomAD); In silico analysis indicates that this missense variant does not alter protein structure/function; Has not been previously published as pathogenic or benign to our knowledge

NM_201631.4(TGM5):c.1193T>C (p.Met398Thr)

Gene: TGM5 (transglutaminase 5; minus strand). Cytogenetic location: 15q15.2.
Variant type: single nucleotide variant.
Coding change: c.1193T>C on transcript NM_201631.4 (MANE Select); coding-DNA position 1193, T replaced by C.
Protein change: p.Met398Thr; replaces methionine 398 with threonine.
Molecular consequence: missense variant.
Genome position (GRCh38, 1-based): chr15:43,238,969, A>G on the plus strand (T>C on the coding strand, the complement: TGM5 is on the minus strand). VCF-style: chr15-43238969-A-G. GRCh37 (hg19) VCF-style: chr15-43531167-A-G.
Other names: c.947T>C, p.Met316Thr (NM_004245.4); short protein forms M316T, M398T.
Identifiers: ClinVar variation 3381644 (VCV003381644.1).